The following is an entry in ClinVar:

ClinVar aggregate classification (germline): Uncertain significance (1 of 4 stars; one submission).

Conditions:
FBXW11-related disorder. Also called: FBXW11-related condition.

Allele frequency attached by ClinVar (database versions not stated): TOPMed below 0.00001; gnomAD 0.00001.

Submission:

PreventionGenetics, part of Exact Sciences
Classification: Uncertain significance for FBXW11-related condition. Last evaluated: 2023-01-13. Review status: criteria provided, single submitter. Criteria: ACMG Guidelines, 2015. Collection method: clinical testing. Allele origin: germline.
Comment: The FBXW11 c.43A>C variant is predicted to result in the amino acid substitution p.Met15Leu. To our knowledge, this variant has not been reported in the literature or in a large population database, indicating this variant is rare. At this time, the clinical significance of this variant is uncertain due to the absence of conclusive functional and genetic evidence.

NM_001378974.1(FBXW11):c.43A>C (p.Met15Leu)

Gene: FBXW11 (F-box and WD repeat domain containing 11; minus strand). Cytogenetic location: 5q35.1.
Variant type: single nucleotide variant.
Coding change: c.43A>C on transcript NM_001378974.1 (MANE Select); coding-DNA position 43, A replaced by C.
Protein change: p.Met15Leu; replaces methionine 15 with leucine.
Molecular consequence: missense variant. On other transcripts: 5 prime UTR variant (4).
Genome position (GRCh38, 1-based): chr5:172,006,460, T>G on the plus strand (A>C on the coding strand, the complement: FBXW11 is on the minus strand). VCF-style: chr5-172006460-T-G. GRCh37 (hg19) VCF-style: chr5-171433464-T-G.
Other names: c.43A>C, p.Met15Leu (NM_001378975.1, NM_001378980.1, NM_012300.3 and 2 more transcripts); c.-216A>C (NM_001378976.1, NM_001378979.1); c.-177A>C (NM_001378977.1); c.-145A>C (NM_001378978.1); short protein forms M15L.
Identifiers: ClinVar variation 2630036 (VCV002630036.1), dbSNP rs1766783775, ClinGen allele CA362137639.